The following is an entry in ClinVar:

NM_001458.5(FLNC):c.6004+1G>A

Genes: FLNC (filamin C; plus strand), FLNC-AS1 (FLNC antisense RNA 1; minus strand). Cytogenetic location: 7q32.1.
Variant type: single nucleotide variant.
Coding change: c.6004+1G>A on transcript NM_001458.5 (MANE Select); the canonical splice donor site of the intron after coding-DNA position 6004, G replaced by A.
Molecular consequence: splice donor variant.
Genome position (GRCh38, 1-based): chr7:128,852,753, G>A. VCF-style: chr7-128852753-G-A. GRCh37 (hg19) VCF-style: chr7-128492807-G-A.
Other names: c.5905+1G>A (NM_001127487.2).
Identifiers: ClinVar variation 3776301 (VCV003776301.2).

ClinVar aggregate classification (germline): Pathogenic (1 of 4 stars; one submission).

Conditions:
Hypertrophic cardiomyopathy 26. Also called: Cardiomyopathy, familial hypertrophic, 26. Identifiers: Orphanet 75249, MedGen C4310749, MONDO:0014883, OMIM 617047.

gnomAD v4.1: 1 of 1,613,218 alleles (0.000062%); highest among the groups gnomAD compares: East Asian, 0.0022%; no homozygotes.

Submission:

3billion
Classification: Pathogenic for Hypertrophic cardiomyopathy 26. Last evaluated: 2024-12-13. Review status: criteria provided, single submitter. Criteria: ACMG Guidelines, 2015. Collection method: clinical testing. Allele origin: germline. Affected: yes.
Comment: The variant is observed at an extremely low frequency in the gnomAD v4.1.0 dataset (total allele frequency: <0.001%). Predicted Consequence/Location: Canonical splice site: predicted to alter splicing and result in a loss or disruption of normal protein function. Multiple pathogenic loss-of-function variants are reported downstream of the variant. In silico tools predict the variant to alter splicing and produce an abnormal transcript [SpliceAI: 0.98 (spliceogenicity >=0.2, non-spliceogenicity <0.1)]. The variant has been reported to be associated with FLNC-related disorder (3billion dataset). Therefore, this variant is classified as Pathogenic according to the recommendation of ACMG/AMP guideline.